The following is an entry in ClinVar:

ClinVar aggregate classification (germline): Uncertain significance. Review status: criteria provided, multiple submitters, no conflicts (2 of 4 stars). 2 submissions from 2 submitters: Uncertain significance (2). Last evaluated 2024-08-06.

Conditions:
Anemia, nonspherocytic hemolytic, due to G6PD deficiency (CNSHA1). Also called: Hemolytic anemia due to G6PD deficiency; ANEMIA, CONGENITAL, NONSPHEROCYTIC HEMOLYTIC, 1; Class I glucose-6-phosphate dehydrogenase deficiency; Favism, susceptibility to. Identifiers: Orphanet 466026, MedGen C2720289, MONDO:0010480, OMIM 300908.

Submissions (2):

Labcorp Genetics (formerly Invitae), Labcorp
Classification: Uncertain significance for Anemia, nonspherocytic hemolytic, due to G6PD deficiency. Last evaluated: 2024-08-06. Review status: criteria provided, single submitter. Criteria: Invitae Variant Classification Sherloc (09022015). Collection method: clinical testing. Allele origin: germline.
Comment: This sequence change replaces methionine, which is neutral and non-polar, with arginine, which is basic and polar, at codon 496 of the G6PD protein (p.Met496Arg). This variant is not present in population databases (gnomAD no frequency). This variant has not been reported in the literature in individuals affected with G6PD-related conditions. ClinVar contains an entry for this variant (Variation ID: 2441602). Advanced modeling of protein sequence and biophysical properties (such as structural, functional, and spatial information, amino acid conservation, physicochemical variation, residue mobility, and thermodynamic stability) has been performed at Invitae for this missense variant, however the output from this modeling did not meet the statistical confidence thresholds required to predict the impact of this variant on G6PD protein function. In summary, the available evidence is currently insufficient to determine the role of this variant in disease. Therefore, it has been classified as a Variant of Uncertain Significance.

Revvity Omics, Revvity
Classification: Uncertain significance for Anemia, nonspherocytic hemolytic, due to G6PD deficiency. Last evaluated: 2024-06-27. Review status: criteria provided, single submitter. Criteria: ACMG Guidelines, 2015. Collection method: clinical testing. Allele origin: germline.

NM_001360016.2(G6PD):c.1487T>G (p.Met496Arg)

Gene: G6PD (glucose-6-phosphate dehydrogenase; minus strand). Cytogenetic location: Xq28.
Variant type: single nucleotide variant.
Coding change: c.1487T>G on transcript NM_001360016.2 (MANE Select); coding-DNA position 1487, T replaced by G.
Protein change: p.Met496Arg; replaces methionine 496 with arginine.
Molecular consequence: missense variant.
Genome position (GRCh38, 1-based): chrX:154,532,061, A>C on the plus strand (T>G on the coding strand, the complement: G6PD is on the minus strand). VCF-style: chrX-154532061-A-C. GRCh37 (hg19) VCF-style: chrX-153760276-A-C.
Other names: c.1577T>G, p.Met526Arg (NM_000402.4); c.1487T>G, p.Met496Arg (NM_001042351.3); short protein forms M496R, M526R.
Identifiers: ClinVar variation 2441602 (VCV002441602.5), dbSNP rs1353587380, ClinGen allele CA415232031.
Genomic context (GRCh38, chrX:154,532,061, plus strand): 5'-CAGAGCTTGTGGGGGTTCACCCACTTGTAGGTGCCCTCATACTGGAAACCCACTCTCTTC[A>C]TCAGCTCGTCTGCCTCCGTGGGGCCTCGGCTGGAGAGTGACGGGTGGAGGAGAGGCATGA-3'
Protein context (NP_001346945.1, residues 486-506): SRGPTEADEL[Met496Arg]KRVGFQYEGT